The following is an entry in ClinVar:

ClinVar aggregate classification (germline): Conflicting classifications of pathogenicity. Review status: criteria provided, conflicting classifications (1 of 4 stars). 2 submissions from 2 submitters: Likely pathogenic (1); Uncertain significance (1). Last evaluated 2025-01-29.

Allele frequency attached by ClinVar (database versions not stated): gnomAD exomes below 0.00001.
gnomAD v4.1: 1 of 1,614,148 alleles (0.000062%); highest among the groups gnomAD compares: Non-Finnish European, 0.000085%; no homozygotes.

Submissions (2):

GeneDx
Classification: Uncertain significance. Last evaluated: 2025-01-29. Review status: criteria provided, single submitter. Criteria: GeneDx Variant Classification Process June 2021. Collection method: clinical testing. Allele origin: germline. Affected: yes.
Comment: Identified in a patient with autism, alternating hemiparesis, migraine, mild intellectual disability, history of seizure, short stature, and mild dysmorphic features in published literature (PMID: 38360210); Not observed at significant frequency in large population cohorts (gnomAD); In silico analysis supports that this missense variant has a deleterious effect on protein structure/function; This variant is associated with the following publications: (PMID: 38360210)

Center for Personalized Medicine, Children's Hospital Los Angeles
Classification: Likely pathogenic. Last evaluated: 2022-12-21. Review status: criteria provided, single submitter. Criteria: ACMG Guidelines, 2015. Collection method: clinical testing. Allele origin: unknown. Affected: yes.

NM_000702.4(ATP1A2):c.2552A>G (p.Tyr851Cys)

Gene: ATP1A2 (ATPase Na+/K+ transporting subunit alpha 2; plus strand). Cytogenetic location: 1q23.2.
Variant type: single nucleotide variant.
Coding change: c.2552A>G on transcript NM_000702.4 (MANE Select); coding-DNA position 2552, A replaced by G.
Protein change: p.Tyr851Cys; replaces tyrosine 851 with cysteine.
Molecular consequence: missense variant.
Genome position (GRCh38, 1-based): chr1:160,136,359, A>G. VCF-style: chr1-160136359-A-G. GRCh37 (hg19) VCF-style: chr1-160106149-A-G.
Other names: short protein forms Y851C.
Identifiers: ClinVar variation 2446037 (VCV002446037.2), dbSNP rs2524889994, ClinGen allele CA343251665.